The following is an entry in ClinVar:

NM_144999.4(LRRC45):c.485A>G (p.Glu162Gly)

Gene: LRRC45 (leucine rich repeat containing 45; plus strand). Cytogenetic location: 17q25.3.
Variant type: single nucleotide variant.
Coding change: c.485A>G on transcript NM_144999.4 (MANE Select); coding-DNA position 485, A replaced by G.
Protein change: p.Glu162Gly; replaces glutamic acid 162 with glycine.
Molecular consequence: missense variant.
Genome position (GRCh38, 1-based): chr17:82,025,131, A>G. VCF-style: chr17-82025131-A-G. GRCh37 (hg19) VCF-style: chr17-79983007-A-G.
Other names: short protein forms E162G.
Identifiers: ClinVar variation 3357484 (VCV003357484.1).
Genomic context (GRCh38, chr17:82,025,131, plus strand): 5'-CCAACGGCGCCCTGCAGCGGCTGGACCTCCGCAACAACCAGATCAGTCACAAGGGCGCGG[A>G]GGAGCTGGCCCTAGCCCTGAAGGGCAACACCACCCTCCAGCAGCTGGGTGAGGCCTCCCA-3'
Protein context (NP_659436.1, residues 152-172): RNNQISHKGA[Glu162Gly]ELALALKGNT

ClinVar aggregate classification (germline): Uncertain significance (0 of 4 stars; one submission).

Conditions:
LRRC45-related disorder. Also called: LRRC45-related condition.

gnomAD v4.1: 4 of 1,610,772 alleles (0.00025%); highest among the groups gnomAD compares: African/African-American, 0.0053%; no homozygotes.

Submission:

PreventionGenetics, part of Exact Sciences
Classification: Uncertain significance for LRRC45-related condition. Last evaluated: 2024-08-23. Review status: no assertion criteria provided. Collection method: clinical testing. Allele origin: germline.
Comment: The LRRC45 c.485A>G variant is predicted to result in the amino acid substitution p.Glu162Gly. To our knowledge, this variant has not been reported in the literature or in a large population database, indicating this variant is rare. At this time, the clinical significance of this variant is uncertain due to the absence of conclusive functional and genetic evidence.